The following is an entry in ClinVar:

ClinVar aggregate classification (germline): Uncertain significance (1 of 4 stars; one submission).

Allele frequency attached by ClinVar (database versions not stated): TOPMed 0.00001.
gnomAD v4.1: 4 of 1,614,142 alleles (0.00025%); highest among the groups gnomAD compares: Non-Finnish European, 0.00034%; no homozygotes.

Submission:

Labcorp Genetics (formerly Invitae), Labcorp
Classification: Uncertain significance. Last evaluated: 2022-06-27. Review status: criteria provided, single submitter. Criteria: Invitae Variant Classification Sherloc (09022015). Collection method: clinical testing. Allele origin: germline.
Comment: This sequence change replaces glutamine, which is neutral and polar, with arginine, which is basic and polar, at codon 488 of the HPS5 protein (p.Gln488Arg). This variant is not present in population databases (gnomAD no frequency). This variant has not been reported in the literature in individuals affected with HPS5-related conditions. Algorithms developed to predict the effect of missense changes on protein structure and function are either unavailable or do not agree on the potential impact of this missense change (SIFT: "Deleterious"; PolyPhen-2: "Benign"; Align-GVGD: "Class C0"). In summary, the available evidence is currently insufficient to determine the role of this variant in disease. Therefore, it has been classified as a Variant of Uncertain Significance.

NM_181507.2(HPS5):c.1463A>G (p.Gln488Arg)

Gene: HPS5 (HPS5 biogenesis of lysosomal organelles complex 2 subunit 2; minus strand). Cytogenetic location: 11p15.1.
Variant type: single nucleotide variant.
Coding change: c.1463A>G on transcript NM_181507.2 (MANE Select); coding-DNA position 1463, A replaced by G.
Protein change: p.Gln488Arg; replaces glutamine 488 with arginine.
Molecular consequence: missense variant.
Genome position (GRCh38, 1-based): chr11:18,296,845, T>C on the plus strand (A>G on the coding strand, the complement: HPS5 is on the minus strand). VCF-style: chr11-18296845-T-C. GRCh37 (hg19) VCF-style: chr11-18318392-T-C.
Other names: c.1121A>G, p.Gln374Arg (NM_007216.4, NM_181508.2); short protein forms Q488R, Q374R.
Identifiers: ClinVar variation 1348018 (VCV001348018.3), dbSNP rs1861131677, ClinGen allele CA379495388.
Genomic context (GRCh38, chr11:18,296,845, plus strand): 5'-ACACATTCATCACCTTCATTTCCGTGTGAGCCACAACACTGATCTGGCAGGTCCTCTTCC[T>C]GCTGTGAGGTGAATTCTTTAAATCTCTCATCTTCTGAGAGGGTTTGGCTGTGAAGGGAGC-3'
Protein context (NP_852608.1, residues 478-498): DERFKEFTSQ[Gln488Arg]EEDLPDQCCG